The following is an entry in ClinVar:

NM_170606.3(KMT2C):c.9025C>G (p.Pro3009Ala)

Gene: KMT2C (lysine methyltransferase 2C; minus strand). Cytogenetic location: 7q36.1.
Variant type: single nucleotide variant.
Coding change: c.9025C>G on transcript NM_170606.3 (MANE Select); coding-DNA position 9025, C replaced by G.
Protein change: p.Pro3009Ala; replaces proline 3009 with alanine.
Molecular consequence: missense variant.
Genome position (GRCh38, 1-based): chr7:152,176,428, G>C on the plus strand (C>G on the coding strand, the complement: KMT2C is on the minus strand). VCF-style: chr7-152176428-G-C. GRCh37 (hg19) VCF-style: chr7-151873513-G-C.
Other names: short protein forms P3009A.
Identifiers: ClinVar variation 3774831 (VCV003774831.1).
Genomic context (GRCh38, chr7:152,176,428, plus strand): 5'-GGGGTCCAGACATGCTACTGGTACCAGACTGACTTGTTTGAGGCCCAGTTTGAGTTGCAG[G>C]TTTTCCTGTCCCCAGACTGTGGTTAACTGTTGATTGACCTGGAATGAGCCCTGGGTTTAC-3'
Protein context (NP_733751.2, residues 2999-3019): TVNHSLGTGK[Pro3009Ala]ATQTGPQTSQ

ClinVar aggregate classification (germline): Uncertain significance (1 of 4 stars; one submission).

Submission:

GeneDx
Classification: Uncertain significance. Last evaluated: 2024-09-30. Review status: criteria provided, single submitter. Criteria: GeneDx Variant Classification Process June 2021. Collection method: clinical testing. Allele origin: germline. Affected: yes.
Comment: Not observed at significant frequency in large population cohorts (gnomAD); In silico analysis supports that this missense variant has a deleterious effect on protein structure/function; Has not been previously published as pathogenic or benign to our knowledge